The following is an entry in ClinVar:

NM_003722.5(TP63):c.468C>A (p.Phe156Leu)

Gene: TP63 (tumor protein p63; plus strand). Cytogenetic location: 3q28.
Variant type: single nucleotide variant.
Coding change: c.468C>A on transcript NM_003722.5 (MANE Select); coding-DNA position 468, C replaced by A.
Protein change: p.Phe156Leu; replaces phenylalanine 156 with leucine.
Molecular consequence: missense variant. On other transcripts: intron variant (2).
Genome position (GRCh38, 1-based): chr3:189,808,415, C>A. VCF-style: chr3-189808415-C-A. GRCh37 (hg19) VCF-style: chr3-189526204-C-A.
Other names: c.468C>A, p.Phe156Leu (NM_001114978.2, NM_001114979.2, NM_001329144.2 and 1 more transcripts); c.186C>A, p.Phe62Leu (NM_001114980.2, NM_001114981.2, NM_001114982.2 and 2 more transcripts); c.462C>A, p.Phe154Leu (NM_001329964.2); c.42+18573C>A (NM_001329146.2, NM_001329150.2); short protein forms F62L, F156L, F154L.
Identifiers: ClinVar variation 2831954 (VCV002831954.2), dbSNP rs759567158, ClinGen allele CA355750624.
Genomic context (GRCh38, chr3:189,808,415, plus strand): 5'-AGACCACGCGCAGAACAGCGTCACGGCGCCCTCGCCCTACGCACAGCCCAGCTCCACCTT[C>A]GATGCTCTCTCTCCATCACCCGCCATCCCCTCCAACACCGACTACCCAGGCCCGCACAGT-3'
Protein context (NP_003713.3, residues 146-166): PSPYAQPSST[Phe156Leu]DALSPSPAIP

ClinVar aggregate classification (germline): Uncertain significance (1 of 4 stars; one submission).

Conditions:
TP63-Related Spectrum Disorders.

gnomAD v4.1: 1 of 1,614,194 alleles (0.000062%); no homozygotes.

Submission:

Labcorp Genetics (formerly Invitae), Labcorp
Classification: Uncertain significance. Last evaluated: 2023-01-26. Review status: criteria provided, single submitter. Criteria: Invitae Variant Classification Sherloc (09022015). Collection method: clinical testing. Allele origin: germline.
Comment: This sequence change replaces phenylalanine, which is neutral and non-polar, with leucine, which is neutral and non-polar, at codon 156 of the TP63 protein (p.Phe156Leu). This variant is not present in population databases (gnomAD no frequency). This variant has not been reported in the literature in individuals affected with TP63-related conditions. Advanced modeling of protein sequence and biophysical properties (such as structural, functional, and spatial information, amino acid conservation, physicochemical variation, residue mobility, and thermodynamic stability) has been performed at Invitae for this missense variant, however the output from this modeling did not meet the statistical confidence thresholds required to predict the impact of this variant on TP63 protein function. In summary, the available evidence is currently insufficient to determine the role of this variant in disease. Therefore, it has been classified as a Variant of Uncertain Significance.